The following is an entry in ClinVar:

ClinVar aggregate classification (germline): Likely benign. Review status: criteria provided, multiple submitters, no conflicts (2 of 4 stars). 2 submissions from 2 submitters: Likely benign (2). Last evaluated 2024-08-05.

Conditions:
Neurodevelopmental disorder with or without hyperkinetic movements and seizures, autosomal dominant. Also called: Intellectual disability, autosomal dominant 8. Identifiers: MedGen C3280282, MONDO:0013655, OMIM 614254.

Allele frequency attached by ClinVar (database versions not stated): gnomAD exomes 0.00002; ExAC 0.00003; gnomAD 0.00003.
gnomAD v4.1: 20 of 1,526,474 alleles (0.0013%); highest among the groups gnomAD compares: Non-Finnish European, 0.0014%; no homozygotes.

Submissions (2):

Labcorp Genetics (formerly Invitae), Labcorp
Classification: Likely benign for Neurodevelopmental disorder with or without hyperkinetic movements and seizures, autosomal dominant. Last evaluated: 2024-08-05. Review status: criteria provided, single submitter. Criteria: Invitae Variant Classification Sherloc (09022015). Collection method: clinical testing. Allele origin: germline.

GeneDx
Classification: Likely benign. Last evaluated: 2017-09-21. Review status: criteria provided, single submitter. Criteria: GeneDx Variant Classification (06012015). Collection method: clinical testing. Allele origin: germline. Affected: yes.
Comment: This variant is considered likely benign or benign based on one or more of the following criteria: it is a conservative change, it occurs at a poorly conserved position in the protein, it is predicted to be benign by multiple in silico algorithms, and/or has population frequency not consistent with disease.

NM_007327.4(GRIN1):c.2700+11G>C

Gene: GRIN1 (glutamate ionotropic receptor NMDA type subunit 1; plus strand). Cytogenetic location: 9q34.3.
Variant type: single nucleotide variant.
Coding change: c.2700+11G>C on transcript NM_007327.4 (MANE Select); 11 bases into the intron after coding-DNA position 2700, G replaced by C.
Molecular consequence: intron variant.
Genome position (GRCh38, 1-based): chr9:137,165,307, G>C. VCF-style: chr9-137165307-G-C. GRCh37 (hg19) VCF-style: chr9-140059759-G-C.
Other names: c.2763+11G>C (NM_001185090.2); c.2652+1403G>C (NM_001185091.2); c.2589+1403G>C (NM_021569.4, NM_000832.7).
Identifiers: ClinVar variation 512178 (VCV000512178.4), dbSNP rs199870929, ClinGen allele CA5361211.